The following is an entry in ClinVar:

ClinVar aggregate classification (germline): Uncertain significance. Review status: criteria provided, multiple submitters, no conflicts (2 of 4 stars). 2 submissions from 2 submitters: Uncertain significance (2). Last evaluated 2023-05-04.

Conditions:
Mitochondrial complex II deficiency, nuclear type 1. Also called: SUCCINATE CoQ REDUCTASE DEFICIENCY. Identifiers: Orphanet 3208, MedGen C5700310, MONDO:0100294, OMIM 252011.
Pheochromocytoma/paraganglioma syndrome 5. Also called: Paragangliomas 5; SDHA-Related Hereditary Paraganglioma-Pheochromocytoma Syndrome. Identifiers: Orphanet 29072, MedGen C3279992, MONDO:0013602, OMIM 614165.
Hereditary cancer-predisposing syndrome. Also called: Tumor predisposition; Hereditary neoplastic syndrome; Neoplastic Syndromes, Hereditary; Hereditary Cancer Syndrome. Identifiers: Orphanet 140162, MedGen C0027672, MeSH D009386, MONDO:0015356.

Allele frequency attached by ClinVar (database versions not stated): gnomAD exomes below 0.00001.
gnomAD v4.1: 1 of 1,614,040 alleles (0.000062%); highest among the groups gnomAD compares: African/African-American, 0.0013%; no homozygotes.

Submissions (2):

Ambry Genetics
Classification: Uncertain significance for Hereditary cancer-predisposing syndrome. Last evaluated: 2023-05-04. Review status: criteria provided, single submitter. Criteria: Ambry Variant Classification Scheme 2023. Collection method: clinical testing. Allele origin: germline.
Comment: The p.K250E variant (also known as c.748A>G), located in coding exon 6 of the SDHA gene, results from an A to G substitution at nucleotide position 748. The lysine at codon 250 is replaced by glutamic acid, an amino acid with similar properties. This amino acid position is well conserved in available vertebrate species. In addition, the in silico prediction for this alteration is inconclusive. Since supporting evidence is limited at this time, the clinical significance of this alteration remains unclear.

Labcorp Genetics (formerly Invitae), Labcorp
Classification: Uncertain significance for Pheochromocytoma/paraganglioma syndrome 5; Mitochondrial complex II deficiency, nuclear type 1. Last evaluated: 2020-01-13. Review status: criteria provided, single submitter. Criteria: Invitae Variant Classification Sherloc (09022015). Collection method: clinical testing. Allele origin: germline.
Comment: In summary, the available evidence is currently insufficient to determine the role of this variant in disease. Therefore, it has been classified as a Variant of Uncertain Significance. Algorithms developed to predict the effect of missense changes on protein structure and function are either unavailable or do not agree on the potential impact of this missense change (SIFT: "Deleterious"; PolyPhen-2: "Benign"; Align-GVGD: "Class C0"). This variant has not been reported in the literature in individuals with SDHA-related conditions. This variant is not present in population databases (ExAC no frequency). This sequence change replaces lysine with glutamic acid at codon 250 of the SDHA protein (p.Lys250Glu). The lysine residue is moderately conserved and there is a small physicochemical difference between lysine and glutamic acid.

NM_004168.4(SDHA):c.748A>G (p.Lys250Glu)

Gene: SDHA (succinate dehydrogenase complex flavoprotein subunit A; plus strand). Cytogenetic location: 5p15.33.
Variant type: single nucleotide variant.
Coding change: c.748A>G on transcript NM_004168.4 (MANE Select); coding-DNA position 748, A replaced by G.
Protein change: p.Lys250Glu; replaces lysine 250 with glutamic acid.
Molecular consequence: missense variant.
Genome position (GRCh38, 1-based): chr5:228,311, A>G. VCF-style: chr5-228311-A-G. GRCh37 (hg19) VCF-style: chr5-228426-A-G.
Other names: c.748A>G (NM_004168.2); c.604A>G, p.Lys202Glu (NM_001294332.2); c.748A>G, p.Lys250Glu (NM_001330758.2); short protein forms K250E, K202E.
Identifiers: ClinVar variation 1035167 (VCV001035167.16), dbSNP rs1735177925, ClinGen allele CA359011170.